The following is an entry in ClinVar:

NM_004958.4(MTOR):c.6711T>A (p.Ile2237=)

Gene: MTOR (mechanistic target of rapamycin kinase; minus strand). Cytogenetic location: 1p36.22.
Variant type: single nucleotide variant.
Coding change: c.6711T>A on transcript NM_004958.4 (MANE Select); coding-DNA position 6711, T replaced by A.
Protein change: p.Ile2237=; no amino-acid change (isoleucine 2237 retained).
Molecular consequence: synonymous variant.
Genome position (GRCh38, 1-based): chr1:11,122,078, A>T on the plus strand (T>A on the coding strand, the complement: MTOR is on the minus strand). VCF-style: chr1-11122078-A-T. GRCh37 (hg19) VCF-style: chr1-11182135-A-T.
Other names: c.6711T>A, p.Ile2237= (NM_001386500.1); c.5463T>A, p.Ile1821= (NM_001386501.1).
Identifiers: ClinVar variation 4991666 (VCV004991666.1).

ClinVar aggregate classification (germline): Uncertain significance (1 of 4 stars; one submission).

Conditions:
MTOR-related disorder. Also called: MTOR-related condition.

gnomAD v4.1: 1 of 1,614,240 alleles (0.000062%); highest among the groups gnomAD compares: Non-Finnish European, 0.000085%; no homozygotes.

Submission:

PreventionGenetics, part of Exact Sciences
Classification: Uncertain significance for MTOR-related condition. Last evaluated: 2026-04-19. Review status: criteria provided, single submitter. Criteria: ACMG Guidelines, 2015. Collection method: clinical testing. Allele origin: germline.
Comment: The MTOR c.6711T>A is a noncoding alteration. This variant is predicted to alter splicing slightly based on available splicing prediction programs (SpliceAI, Jaganathan et al. 2019. PubMed ID: 30661751). To our knowledge, this variant has not been reported in the literature or in a large population database (gnomAD), indicating this variant is rare. At this time, the clinical significance of this variant is uncertain due to the absence of conclusive functional and genetic evidence.